The following is an entry in ClinVar:

NM_006459.4(ERLIN1):c.315C>T (p.Ile105=)

Gene: ERLIN1 (ER lipid raft associated 1; minus strand). Cytogenetic location: 10q24.31.
Variant type: single nucleotide variant.
Coding change: c.315C>T on transcript NM_006459.4 (MANE Select); coding-DNA position 315, C replaced by T.
Protein change: p.Ile105=; no amino-acid change (isoleucine 105 retained).
Molecular consequence: synonymous variant. On other transcripts: 5 prime UTR variant (1), non-coding transcript variant (6).
Genome position (GRCh38, 1-based): chr10:100,176,060, G>A on the plus strand (C>T on the coding strand, the complement: ERLIN1 is on the minus strand). VCF-style: chr10-100176060-G-A. GRCh37 (hg19) VCF-style: chr10-101935817-G-A.
Other names: c.315C>T, p.Ile105= (NM_001100626.2, NM_001347857.2, NM_001347859.2 and 2 more transcripts); c.63C>T, p.Ile21= (NM_001347856.2); c.-166C>T (NM_001347858.2).
Identifiers: ClinVar variation 1344324 (VCV001344324.14), dbSNP rs373926474, ClinGen allele CA5646097.

ClinVar aggregate classification (germline): Conflicting classifications of pathogenicity. Review status: criteria provided, conflicting classifications (1 of 4 stars). 3 submissions from 3 submitters: Uncertain significance (1); Likely benign (2). Last evaluated 2025-10-17.

Conditions:
Hereditary spastic paraplegia 62. Also called: Spastic paraplegia 62, autosomal recessive. Identifiers: Orphanet 401785, MedGen C4284588, MONDO:0014302, OMIM 615681.
Hereditary spastic paraplegia. Also called: Familial spastic paraparesis. Identifiers: Orphanet 685, MedGen C0037773, MONDO:0019064. Disease mechanism: loss of function.

Allele frequency attached by ClinVar (database versions not stated): ExAC 0.00003; gnomAD 0.00004 and 0.00005; TOPMed 0.00005; ESP Exome Variant Server 0.00008.
gnomAD v4.1: 33 of 1,611,700 alleles (0.002%); highest among the groups gnomAD compares: African/African-American, 0.015%; no homozygotes.

Submissions (3):

Labcorp Genetics (formerly Invitae), Labcorp
Classification: Likely benign for Hereditary spastic paraplegia 62. Last evaluated: 2025-10-17. Review status: criteria provided, single submitter. Criteria: Invitae Variant Classification Sherloc (09022015). Collection method: clinical testing. Allele origin: germline.

CeGaT Center for Human Genetics Tuebingen
Classification: Likely benign. Last evaluated: 2025-06-01. Review status: criteria provided, single submitter. Criteria: CeGaT Center For Human Genetics Tuebingen Variant Classification Criteria Version 2. Collection method: clinical testing. Allele origin: germline. Affected: yes. Observed: 1 variant allele.
Comment: ERLIN1: BP4, BP7

Genome Diagnostics Laboratory, The Hospital for Sick Children
Classification: Uncertain significance for Hereditary spastic paraplegia. Last evaluated: 2021-06-16. Review status: criteria provided, single submitter. Criteria: ACMG Guidelines, 2015. Collection method: clinical testing. Allele origin: germline. Affected: yes.